The following is an entry in ClinVar:

ClinVar aggregate classification (germline): Pathogenic/Likely pathogenic. Review status: criteria provided, multiple submitters, no conflicts (2 of 4 stars). 2 submissions from 2 submitters: Pathogenic (1); Likely pathogenic (1). Last evaluated 2024-11-07.

Conditions:
Autosomal recessive osteopetrosis 1. Also called: TCIRG1-Related Autosomal Recessive Osteopetrosis; ALBERS-SCHONBERG DISEASE, AUTOSOMAL RECESSIVE; TCIRG1-Related Osteopetrosis. Identifiers: Orphanet 667, MedGen C1850127, MONDO:0009815, OMIM 259700.

Submissions (2):

Natera, Inc.
Classification: Pathogenic for Infantile malignant osteopetrosis. Last evaluated: 2024-11-07. Review status: criteria provided, single submitter. Criteria: Natera Variant Classification Schema (03/2026). Collection method: clinical testing. Allele origin: germline.
Comment: The c.631-1G>A variant in TCIRG1 is a canonical splice acceptor site variant predicted to affect pre-mRNA splicing, which may result in an abnormal transcript and altered protein product. This variant is expected to result in nonsense mediated decay, truncation, or a dysfunctional protein product. This variant is rare in the general population with a frequency below the threshold expected for the associated phenotype(s). Another variant at this same site results in an alteration predicted to cause a similar molecular effect has been observed in individual(s) with the associated phenotype. Given the available evidence, this variant is classified as Pathogenic.

Labcorp Genetics (formerly Invitae), Labcorp
Classification: Likely pathogenic. Last evaluated: 2023-05-16. Review status: criteria provided, single submitter. Criteria: Invitae Variant Classification Sherloc (09022015). Collection method: clinical testing. Allele origin: germline.
Comment: This sequence change affects an acceptor splice site in intron 6 of the TCIRG1 gene. It is expected to disrupt RNA splicing. Variants that disrupt the donor or acceptor splice site typically lead to a loss of protein function (PMID: 16199547), and loss-of-function variants in TCIRG1 are known to be pathogenic (PMID: 10888887, 10942435, 11532986, 19448635). This variant is not present in population databases (gnomAD no frequency). Disruption of this splice site has been observed in individual(s) with malignant osteopetrosis (PMID: 12552563). Algorithms developed to predict the effect of sequence changes on RNA splicing suggest that this variant may disrupt the consensus splice site. In summary, the currently available evidence indicates that the variant is pathogenic, but additional data are needed to prove that conclusively. Therefore, this variant has been classified as Likely Pathogenic.

Literature cited by the submitters: PubMed 16199547 (cited by Labcorp Genetics (formerly Invitae), Labcorp); PubMed 10888887 (cited by Labcorp Genetics (formerly Invitae), Labcorp); PubMed 10942435 (cited by Labcorp Genetics (formerly Invitae), Labcorp); PubMed 11532986 (cited by Labcorp Genetics (formerly Invitae), Labcorp); PubMed 19448635 (cited by Labcorp Genetics (formerly Invitae), Labcorp); PubMed 12552563 (cited by Labcorp Genetics (formerly Invitae), Labcorp).

NM_006019.4(TCIRG1):c.631-1G>A

Gene: TCIRG1 (T cell immune regulator 1, ATPase H+ transporting V0 subunit a3; plus strand). Cytogenetic location: 11q13.2.
Variant type: single nucleotide variant.
Coding change: c.631-1G>A on transcript NM_006019.4 (MANE Select); the canonical splice acceptor site of the intron before coding-DNA position 631, G replaced by A.
Molecular consequence: splice acceptor variant.
Genome position (GRCh38, 1-based): chr11:68,043,570, G>A. VCF-style: chr11-68043570-G-A. GRCh37 (hg19) VCF-style: chr11-67811037-G-A.
Other names: c.631-1G>A (NM_006019.3); c.-280-1G>A (NM_001351059.2); c.-18-1G>A (NM_006053.4).
Identifiers: ClinVar variation 2914386 (VCV002914386.4), dbSNP rs1855290865, ClinGen allele CA381578381.